The following is an entry in ClinVar:

ClinVar aggregate classification (germline): Conflicting classifications of pathogenicity. Review status: criteria provided, conflicting classifications (1 of 4 stars). 6 submissions from 6 submitters: Uncertain significance (3); Benign (1); Likely benign (2). Last evaluated 2026-01-11.

Conditions:
FOXP1-related disorder. Also called: FOXP1-related condition.

Allele frequency attached by ClinVar (database versions not stated): ExAC 0.00007; gnomAD exomes 0.00007; gnomAD 0.00012.
gnomAD v4.1: 109 of 1,389,720 alleles (0.0078%); highest among the groups gnomAD compares: Middle Eastern, 0.04%; no homozygotes.

Submissions (6):

Labcorp Genetics (formerly Invitae), Labcorp
Classification: Benign. Last evaluated: 2026-01-11. Review status: criteria provided, single submitter. Criteria: Invitae Variant Classification Sherloc (09022015). Collection method: clinical testing. Allele origin: germline.

CeGaT Center for Human Genetics Tuebingen
Classification: Likely benign. Last evaluated: 2025-06-01. Review status: criteria provided, single submitter. Criteria: CeGaT Center For Human Genetics Tuebingen Variant Classification Criteria Version 2. Collection method: clinical testing. Allele origin: germline. Affected: yes. Observed: 3 variant alleles.
Comment: FOXP1: PP3, BS2

Blueprint Genetics
Classification: Likely benign. Last evaluated: 2024-10-03. Review status: criteria provided, single submitter. Criteria: ACMG Guidelines, 2015. Collection method: clinical testing. Allele origin: germline.

PreventionGenetics, part of Exact Sciences
Classification: Uncertain significance for FOXP1-related condition. Last evaluated: 2023-01-30. Review status: criteria provided, single submitter. Criteria: ACMG Guidelines, 2015. Collection method: clinical testing. Allele origin: germline.
Comment: The FOXP1 c.13T>C variant is predicted to result in the amino acid substitution p.Ser5Pro. To our knowledge, this variant has not been reported in the literature. This variant is reported in 0.012% of alleles in individuals of European (Non-Finnish) descent in gnomAD. At this time, the clinical significance of this variant is uncertain due to the absence of conclusive functional and genetic evidence.

GeneDx
Classification: Uncertain significance. Last evaluated: 2020-01-27. Review status: criteria provided, single submitter. Criteria: GeneDx Variant Classification Process June 2021. Collection method: clinical testing. Allele origin: germline. Affected: yes.
Comment: In silico analysis, which includes protein predictors and evolutionary conservation, supports a deleterious effect; Reported in individual with intellectual disability who inherited variant from parent; however, variant also seen in matched controls and clinical information not provided on parents (Horn et al., 2010); This variant is associated with the following publications: (PMID: 20848658)

Genetic Services Laboratory, University of Chicago
Classification: Uncertain significance. Last evaluated: 2014-12-29. Review status: criteria provided, single submitter. Criteria: ACMG Guidelines, 2015. Collection method: clinical testing. Allele origin: germline.

NM_001349338.3(FOXP1):c.13T>C (p.Ser5Pro)

Gene: FOXP1 (forkhead box P1; minus strand). Cytogenetic location: 3p13.
Variant type: single nucleotide variant.
Coding change: c.13T>C on transcript NM_001349338.3 (MANE Select); coding-DNA position 13, T replaced by C.
Protein change: p.Ser5Pro; replaces serine 5 with proline.
Molecular consequence: missense variant. On other transcripts: non-coding transcript variant (2).
Genome position (GRCh38, 1-based): chr3:71,198,369, A>G on the plus strand (T>C on the coding strand, the complement: FOXP1 is on the minus strand). VCF-style: chr3-71198369-A-G. GRCh37 (hg19) VCF-style: chr3-71247520-A-G.
Other names: c.13T>C, p.Ser5Pro (NM_001012505.2, NM_001244808.3, NM_001244810.2 and 6 more transcripts); short protein forms S5P.
Identifiers: ClinVar variation 211036 (VCV000211036.41), dbSNP rs762898505, ClinGen allele CA205696.